The following is an entry in ClinVar:

NM_001035.3(RYR2):c.4868A>G (p.Asp1623Gly)

Gene: RYR2 (ryanodine receptor 2; plus strand). Cytogenetic location: 1q43.
Variant type: single nucleotide variant.
Coding change: c.4868A>G on transcript NM_001035.3 (MANE Select); coding-DNA position 4868, A replaced by G.
Protein change: p.Asp1623Gly; replaces aspartic acid 1623 with glycine.
Molecular consequence: missense variant.
Genome position (GRCh38, 1-based): chr1:237,610,946, A>G. VCF-style: chr1-237610946-A-G. GRCh37 (hg19) VCF-style: chr1-237774246-A-G.
Other names: short protein forms D1623G.
Identifiers: ClinVar variation 1497433 (VCV001497433.9), dbSNP rs1421802252, ClinGen allele CA345402804.

ClinVar aggregate classification (germline): Uncertain significance (1 of 4 stars; one submission).

Conditions:
Catecholaminergic polymorphic ventricular tachycardia 1. Also called: VENTRICULAR TACHYCARDIA, CATECHOLAMINERGIC POLYMORPHIC, 1, WITH OR WITHOUT ATRIAL DYSFUNCTION AND/OR DILATED CARDIOMYOPATHY; RYR2-Related Catecholaminergic Polymorphic Ventricular Tachycardia; VENTRICULAR TACHYCARDIA, STRESS-INDUCED POLYMORPHIC 1. Identifiers: Orphanet 3286, MedGen C1631597, MONDO:0011484, OMIM 604772.

gnomAD v4.1: 3 of 1,613,322 alleles (0.00019%); highest among the groups gnomAD compares: African/African-American, 0.0013%; no homozygotes.

Submission:

Labcorp Genetics (formerly Invitae), Labcorp
Classification: Uncertain significance for Catecholaminergic polymorphic ventricular tachycardia 1. Last evaluated: 2021-03-29. Review status: criteria provided, single submitter. Criteria: Invitae Variant Classification Sherloc (09022015). Collection method: clinical testing. Allele origin: germline.
Comment: This sequence change replaces aspartic acid with glycine at codon 1623 of the RYR2 protein (p.Asp1623Gly). The aspartic acid residue is highly conserved and there is a moderate physicochemical difference between aspartic acid and glycine. This variant is not present in population databases (ExAC no frequency). This variant has not been reported in the literature in individuals with RYR2-related conditions. Algorithms developed to predict the effect of missense changes on protein structure and function are either unavailable or do not agree on the potential impact of this missense change (SIFT: "Deleterious"; PolyPhen-2: "Benign"; Align-GVGD: "Class C35"). In summary, the available evidence is currently insufficient to determine the role of this variant in disease. Therefore, it has been classified as a Variant of Uncertain Significance.